The following is an entry in ClinVar:

NM_000051.4(ATM):c.6807+8del

Genes: ATM (ATM serine/threonine kinase; plus strand), C11orf65 (chromosome 11 open reading frame 65; minus strand). Cytogenetic location: 11q22.3.
Variant type: Deletion.
Coding change: c.6807+8del on transcript NM_000051.4 (MANE Select); 8 bases into the intron after coding-DNA position 6807, one base deleted (C; older notation c.6807+8delC).
Molecular consequence: intron variant.
Genome position (GRCh38, 1-based): chr11:108,325,552, C deleted. VCF-style (leftmost placement, unchanged base first): chr11-108325551-AC-A. GRCh37 (hg19) VCF-style: chr11-108196278-AC-A.
Other names: c.6807+8delC (NM_000051.3, NM_000051.4); c.6807+8del (NM_001351834.2); c.641-16481del (NM_001330368.2); c.*38+9668del (NM_001351110.2).
Identifiers: ClinVar variation 453642 (VCV000453642.54), dbSNP rs1555119385, ClinGen allele CA658656271.
Genomic context (GRCh38, chr11:108,325,551, plus strand): 5'-ACCAAACACCTTGTAGAACTCTCTATACTGGCCAGAACTTTCAAGAACACTCAGGTAAAT[AC>A]AATTTAAAACTATGTCATCTTACCTCTTGACTTTCCTTTTATTATTTAAAAAACAGAAAG-3'

ClinVar aggregate classification (germline): Conflicting classifications of pathogenicity. Review status: criteria provided, conflicting classifications (1 of 4 stars). 5 submissions from 5 submitters: Uncertain significance (1); Likely benign (4). Last evaluated 2025-10-30.

Conditions:
Hereditary cancer-predisposing syndrome. Also called: Neoplastic Syndromes, Hereditary; Hereditary Cancer Syndrome; Tumor predisposition; Hereditary neoplastic syndrome. Identifiers: Orphanet 140162, MedGen C0027672, MeSH D009386, MONDO:0015356.
Ataxia-telangiectasia syndrome (AT). Also called: LOUIS-BAR SYNDROME; Cerebello-oculocutaneous telangiectasia; Immunodeficiency with ataxia telangiectasia; Ataxia-telangiectasia, complementation group D; AT, COMPLEMENTATION GROUP C; Ataxia-telangiectasia, complementation group E. Identifiers: Orphanet 100, MedGen C0004135, MONDO:0008840, OMIM 208900.
Familial cancer of breast. Also called: Hereditary breast cancer; BREAST CANCER, FAMILIAL; hereditary breast carcinoma. Identifiers: Orphanet 227535, MedGen C0346153, MONDO:0016419, OMIM 114480. Disease mechanism: loss of function.

Allele frequency attached by ClinVar (database versions not stated): gnomAD exomes below 0.00001.

Submissions (5):

Labcorp Genetics (formerly Invitae), Labcorp
Classification: Likely benign for Ataxia-telangiectasia syndrome. Last evaluated: 2025-10-30. Review status: criteria provided, single submitter. Criteria: Invitae Variant Classification Sherloc (09022015). Collection method: clinical testing. Allele origin: germline.

Women's Health and Genetics/Laboratory Corporation of America, LabCorp
Classification: Likely benign. Last evaluated: 2025-04-17. Review status: criteria provided, single submitter. Criteria: LabCorp Variant Classification Summary - May 2015. Collection method: clinical testing. Allele origin: germline.
Comment: Variant summary: ATM c.6807+8delC alters a non-conserved nucleotide located at a position not widely known to affect splicing. Consensus agreement among computation tools predict no significant impact on normal splicing. However, these predictions have yet to be confirmed by functional studies. The variant was absent in 243496 control chromosomes (gnomAD). The available data on variant occurrences in the general population are insufficient to allow any conclusion about variant significance. To our knowledge, no occurrence of c.6807+8delC in individuals affected with Prostate Cancer and no experimental evidence demonstrating its impact on protein function have been reported. ClinVar contains an entry for this variant (Variation ID: 453642). Based on the evidence outlined above, the variant was classified as likely benign.

Myriad Genetics, Inc.
Classification: Likely benign for Familial cancer of breast. Last evaluated: 2024-06-10. Review status: criteria provided, single submitter. Criteria: Myriad Autosomal Dominant, Autosomal Recessive and X-Linked Classification Criteria (2023). Collection method: clinical testing. Allele origin: unknown.
Comment: This variant is considered likely benign. This variant is intronic and is not expected to impact mRNA splicing.

Color Diagnostics, LLC DBA Color Health
Classification: Likely benign for Hereditary cancer-predisposing syndrome. Last evaluated: 2019-01-17. Review status: criteria provided, single submitter. Criteria: ACMG Guidelines, 2015. Collection method: clinical testing. Allele origin: germline.

CeGaT Center for Human Genetics Tuebingen
Classification: Uncertain significance. Last evaluated: 2018-11-01. Review status: criteria provided, single submitter. Criteria: CeGaT Center For Human Genetics Tuebingen Variant Classification Criteria Version 2. Collection method: clinical testing. Allele origin: germline. Affected: yes. Observed: 1 variant allele.